The following is an entry in ClinVar:

ClinVar aggregate classification (germline): Conflicting classifications of pathogenicity. Review status: criteria provided, conflicting classifications (1 of 4 stars). 3 submissions from 3 submitters: Uncertain significance (2); Likely benign (1). Last evaluated 2024-04-25.

Conditions:
Classic or attenuated familial adenomatous polyposis. Identifiers: MedGen CN372698, MONDO:0021057.
Hereditary cancer-predisposing syndrome. Also called: Tumor predisposition; Hereditary Cancer Syndrome; Neoplastic Syndromes, Hereditary; Hereditary neoplastic syndrome. Identifiers: Orphanet 140162, MedGen C0027672, MeSH D009386, MONDO:0015356.
Familial adenomatous polyposis 1 (FAP1). Also called: FAMILIAL ADENOMATOUS POLYPOSIS 1, ATTENUATED; POLYPOSIS, ADENOMATOUS INTESTINAL. Identifiers: MedGen C2713442, MONDO:0021056, OMIM 175100. Disease mechanism: loss of function.

Allele frequency attached by ClinVar (database versions not stated): gnomAD exomes 0.00001; ExAC 0.00002.
gnomAD v4.1: 4 of 1,614,196 alleles (0.00025%); highest among the groups gnomAD compares: Non-Finnish European, 0.00034%; no homozygotes.

Submissions (3):

All of Us Research Program, National Institutes of Health
Classification: Uncertain significance for Classic or attenuated familial adenomatous polyposis. Last evaluated: 2024-04-25. Review status: criteria provided, single submitter. Criteria: ACMG Guidelines, 2015. Collection method: clinical testing. Allele origin: germline. Inheritance: Autosomal dominant inheritance. Observed: 1 variant allele, 1 heterozygote.
Comment: This missense variant replaces serine with alanine at codon 932 of the APC protein. Computational prediction suggests that this variant may not impact protein structure and function. To our knowledge, functional studies have not been reported for this variant. This variant has not been reported in individuals affected with APC-related disorders in the literature. This variant has been identified in 2/250800 chromosomes in the general population by the Genome Aggregation Database (gnomAD). The available evidence is insufficient to determine the role of this variant in disease conclusively. Therefore, this variant is classified as a Variant of Uncertain Significance.

This study involves interpretation of variants in research participants for the purpose of population health screening. Participant phenotype was not available at the time of variant classification. Additional details can be found in publication PMID: 35346344, PMCID: PMC8962531

Labcorp Genetics (formerly Invitae), Labcorp
Classification: Uncertain significance for Familial adenomatous polyposis 1. Last evaluated: 2023-12-12. Review status: criteria provided, single submitter. Criteria: Invitae Variant Classification Sherloc (09022015). Collection method: clinical testing. Allele origin: germline.
Comment: This sequence change replaces serine, which is neutral and polar, with alanine, which is neutral and non-polar, at codon 932 of the APC protein (p.Ser932Ala). This variant is present in population databases (rs778206304, gnomAD 0.002%). This variant has not been reported in the literature in individuals affected with APC-related conditions. ClinVar contains an entry for this variant (Variation ID: 1796083). Advanced modeling of protein sequence and biophysical properties (such as structural, functional, and spatial information, amino acid conservation, physicochemical variation, residue mobility, and thermodynamic stability) performed at Invitae indicates that this missense variant is not expected to disrupt APC protein function with a negative predictive value of 95%. In summary, the available evidence is currently insufficient to determine the role of this variant in disease. Therefore, it has been classified as a Variant of Uncertain Significance.

Ambry Genetics
Classification: Likely benign for Hereditary cancer-predisposing syndrome. Last evaluated: 2021-04-13. Review status: criteria provided, single submitter. Criteria: Ambry Variant Classification Scheme 2023. Collection method: clinical testing. Allele origin: germline.

NM_000038.6(APC):c.2794T>G (p.Ser932Ala)

Gene: APC (APC regulator of Wnt signaling pathway; plus strand). Cytogenetic location: 5q22.2.
Variant type: single nucleotide variant.
Coding change: c.2794T>G on transcript NM_000038.6 (MANE Select); coding-DNA position 2794, T replaced by G.
Protein change: p.Ser932Ala; replaces serine 932 with alanine.
Molecular consequence: missense variant.
Genome position (GRCh38, 1-based): chr5:112,838,388, T>G. VCF-style: chr5-112838388-T-G. GRCh37 (hg19) VCF-style: chr5-112174085-T-G.
Other names: c.2848T>G, p.Ser950Ala (NM_001354896.2, NM_001407447.1, NM_001407448.1 and 1 more transcripts); c.2824T>G, p.Ser942Ala (NM_001354897.2); c.2719T>G, p.Ser907Ala (NM_001354898.2); c.2710T>G, p.Ser904Ala (NM_001354899.2); c.2671T>G, p.Ser891Ala (NM_001354900.2); c.2617T>G, p.Ser873Ala (NM_001354901.2, NM_001407453.1); c.2521T>G, p.Ser841Ala (NM_001354902.2); c.2491T>G, p.Ser831Ala (NM_001354903.2, NM_001407458.1, NM_001407459.1 and 1 more transcripts); and 11 more; short protein forms S772A, S803A, S873A, S922A, S925A, S831A, S849A, S891A.
Identifiers: ClinVar variation 1796083 (VCV001796083.8), dbSNP rs778206304, ClinGen allele CA033464.